The following is an entry in ClinVar:

NM_000091.5(COL4A3):c.3542del (p.Pro1181fs)

Genes: COL4A3 (collagen type IV alpha 3 chain; plus strand), MFF-DT (MFF divergent transcript; minus strand). Cytogenetic location: 2q36.3.
Variant type: Deletion.
Coding change: c.3542del on transcript NM_000091.5 (MANE Select); coding-DNA position 3542, one base deleted (C; older notation c.3542delC).
Protein change: p.Pro1181fs; shifts the reading frame from proline 1181.
Molecular consequence: frameshift variant.
Genome position (GRCh38, 1-based): chr2:227,295,293, C deleted; the last of 3 consecutive C bases (chr2:227,295,291-227,295,293); deleting any one gives the same sequence. VCF-style (leftmost placement, unchanged base first): chr2-227295290-GC-G. GRCh37 (hg19) VCF-style: chr2-228160006-GC-G.
Other names: short protein forms P1181fs.
Identifiers: ClinVar variation 1357187 (VCV001357187.6), dbSNP rs1453992981, ClinGen allele CA2573135483.

ClinVar aggregate classification (germline): Pathogenic (1 of 4 stars; one submission).

Submission:

Labcorp Genetics (formerly Invitae), Labcorp
Classification: Pathogenic. Last evaluated: 2021-02-23. Review status: criteria provided, single submitter. Criteria: Invitae Variant Classification Sherloc (09022015). Collection method: clinical testing. Allele origin: germline.
Comment: This sequence change creates a premature translational stop signal (p.Pro1181Glnfs*40) in the COL4A3 gene. It is expected to result in an absent or disrupted protein product. Loss-of-function variants in COL4A3 are known to be pathogenic (PMID: 8956999, 24854265, 26809805, 27281700). This variant is not present in population databases (ExAC no frequency). This variant has not been reported in the literature in individuals with COL4A3-related conditions. For these reasons, this variant has been classified as Pathogenic.

Literature cited by the submitters: PubMed 8956999; PubMed 24854265; PubMed 26809805; PubMed 27281700.